The following is an entry in ClinVar:

NM_006662.3(SRCAP):c.7372del (p.Val2458fs)

Gene: SRCAP (Snf2 related CREBBP activator protein; plus strand). Cytogenetic location: 16p11.2.
Variant type: Deletion.
Coding change: c.7372del on transcript NM_006662.3 (MANE Select); coding-DNA position 7372, one base deleted (G; older notation c.7372delG).
Protein change: p.Val2458fs; shifts the reading frame from valine 2458.
Molecular consequence: frameshift variant.
Genome position (GRCh38, 1-based): chr16:30,737,412, G deleted. VCF-style (leftmost placement, unchanged base first): chr16-30737411-TG-T. GRCh37 (hg19) VCF-style: chr16-30748732-TG-T.
Other names: short protein forms V2458fs.
Identifiers: ClinVar variation 2024129 (VCV002024129.4), dbSNP rs2506727078, ClinGen allele CA2580091482.
Genomic context (GRCh38, chr16:30,737,411, plus strand): 5'-CAGGCCAGCACCTAGGCCTCGACCCACTCCAGCTTCAGCTCCGGCTGCAATTCCTGCCCT[TG>T]TTCCTGTCCCAGTTTCTGCCCCAGTACCCATTTCAGCCCCAAATCCAATAACCATTCTCC-3'

ClinVar aggregate classification (germline): Pathogenic (1 of 4 stars; one submission).

Submission:

Labcorp Genetics (formerly Invitae), Labcorp
Classification: Pathogenic. Last evaluated: 2022-08-13. Review status: criteria provided, single submitter. Criteria: Invitae Variant Classification Sherloc (09022015). Collection method: clinical testing. Allele origin: germline.
Comment: For these reasons, this variant has been classified as Pathogenic. This variant disrupts a region of the SRCAP protein in which other variant(s) (p.Gln3043Alafs*9) have been determined to be pathogenic (PMID: 33909990). This suggests that this is a clinically significant region of the protein, and that variants that disrupt it are likely to be disease-causing. This variant has not been reported in the literature in individuals affected with SRCAP-related conditions. This variant is not present in population databases (gnomAD no frequency). This sequence change creates a premature translational stop signal (p.Val2458Phefs*17) in the SRCAP gene. While this is not anticipated to result in nonsense mediated decay, it is expected to disrupt the last 773 amino acid(s) of the SRCAP protein.

Literature cited by the submitters: PubMed 33909990.